The following is an entry in ClinVar:

NM_001145319.2(PLS1):c.1846G>A (p.Val616Met)

Gene: PLS1 (plastin 1; plus strand). Cytogenetic location: 3q23.
Variant type: single nucleotide variant.
Coding change: c.1846G>A on transcript NM_001145319.2 (MANE Select); coding-DNA position 1846, G replaced by A.
Protein change: p.Val616Met; replaces valine 616 with methionine.
Molecular consequence: missense variant.
Genome position (GRCh38, 1-based): chr3:142,711,963, G>A. VCF-style: chr3-142711963-G-A. GRCh37 (hg19) VCF-style: chr3-142430805-G-A.
Other names: c.1846G>A, p.Val616Met (NM_001172312.2, NM_002670.3); short protein forms V616M.
Identifiers: ClinVar variation 1313927 (VCV001313927.2), dbSNP rs1933152012, ClinGen allele CA354825622.

ClinVar aggregate classification (germline): Uncertain significance (1 of 4 stars; one submission).

Allele frequency attached by ClinVar (database versions not stated): gnomAD exomes below 0.00001; gnomAD 0.00001.
gnomAD v4.1: 2 of 1,613,316 alleles (0.00012%); highest among the groups gnomAD compares: Admixed American, 0.0017%; no homozygotes.

Submission:

GeneDx
Classification: Uncertain significance. Last evaluated: 2021-01-21. Review status: criteria provided, single submitter. Criteria: GeneDx Variant Classification Process June 2021. Collection method: clinical testing. Allele origin: germline. Affected: yes.
Comment: Not observed in large population cohorts (Lek et al., 2016); In silico analysis supports that this missense variant has a deleterious effect on protein structure/function; Has not been previously published as pathogenic or benign to our knowledge